The following is an entry in ClinVar:

ClinVar aggregate classification (germline): Likely benign. Review status: criteria provided, single submitter (1 of 4 stars). 2 submissions from 2 submitters: Likely benign (1). 1 of the submissions does not count toward it. Last evaluated 2024-02-01.

Conditions:
MYOM2-related disorder. Also called: MYOM2-related condition.

Allele frequency attached by ClinVar (database versions not stated): 1000 Genomes Project 30x 0.00312; 1000 Genomes Project 0.00339; gnomAD 0.00396; ESP Exome Variant Server 0.00454; ExAC 0.00559; gnomAD exomes 0.00568.

Submissions (2):

CeGaT Center for Human Genetics Tuebingen
Classification: Likely benign. Last evaluated: 2024-02-01. Review status: criteria provided, single submitter. Criteria: CeGaT Center For Human Genetics Tuebingen Variant Classification Criteria Version 2. Collection method: clinical testing. Allele origin: germline. Affected: yes. Observed: 2 variant alleles.
Comment: MYOM2: BP4, BP7, BS2

PreventionGenetics, part of Exact Sciences
Classification: Likely benign for MYOM2-related condition. Last evaluated: 2019-03-05. Review status: no assertion criteria provided. Collection method: clinical testing. Allele origin: germline. Not counted in ClinVar's aggregate classification.
Comment: This variant is classified as likely benign based on ACMG/AMP sequence variant interpretation guidelines (Richards et al. 2015 PMID: 25741868, with internal and published modifications).

NM_003970.4(MYOM2):c.2358C>T (p.Ala786=)

Gene: MYOM2 (myomesin 2; plus strand). Cytogenetic location: 8p23.3.
Variant type: single nucleotide variant.
Coding change: c.2358C>T on transcript NM_003970.4 (MANE Select); coding-DNA position 2358, C replaced by T.
Protein change: p.Ala786=; no amino-acid change (alanine 786 retained).
Molecular consequence: synonymous variant.
Genome position (GRCh38, 1-based): chr8:2,098,901, C>T. VCF-style: chr8-2098901-C-T. GRCh37 (hg19) VCF-style: chr8-2046731-C-T.
Other names: c.2358C>T (NM_003970.3).
Identifiers: ClinVar variation 2658311 (VCV002658311.25), dbSNP rs142781583, ClinGen allele CA170457740.